The following is an entry in ClinVar:

NM_001278431.2(C1QTNF5):c.90del (p.His31fs)

Genes: C1QTNF5 (C1q and TNF related 5; minus strand), MFRP (membrane frizzled-related protein; minus strand). Cytogenetic location: 11q23.3.
Variant type: Deletion.
Coding change: c.90del on transcript NM_001278431.2 (MANE Select); coding-DNA position 90, one base deleted (G; older notation c.90delG).
Protein change: p.His31fs; shifts the reading frame from histidine 31.
Molecular consequence: frameshift variant. On other transcripts: 3 prime UTR variant (1).
Genome position (GRCh38, 1-based): chr11:119,340,308, C deleted on the plus strand (G on the coding strand, the reverse complement: C1QTNF5 is on the minus strand); the first of 4 consecutive C bases (chr11:119,340,308-119,340,311); deleting any one gives the same sequence. VCF-style (leftmost placement, unchanged base first): chr11-119340307-GC-G. GRCh37 (hg19) VCF-style: chr11-119211017-GC-G.
Other names: c.90del, p.His31fs (NM_015645.5); c.*986del (NM_031433.4); short protein forms H31fs.
Identifiers: ClinVar variation 4735970 (VCV004735970.1).
Genomic context (GRCh38, chr11:119,340,307, plus strand): 5'-CATCGCGGCCCGGCAAGCCCTGGCTGCCATGGTGGCCCGGCGTGCCTGGAAGGCCGGGGT[GC>G]CCCGGGCAGAGGCTGGGGATCTTGTTGTCGTCCAGTGGGGGCGAGCCGGCCGCCAGGCCC-3'

ClinVar aggregate classification (germline): Uncertain significance (1 of 4 stars; one submission).

Submission:

Labcorp Genetics (formerly Invitae), Labcorp
Classification: Uncertain significance. Last evaluated: 2026-01-26. Review status: criteria provided, single submitter. Criteria: Invitae Variant Classification Sherloc (09022015). Collection method: clinical testing. Allele origin: germline.
Comment: This sequence change creates a premature translational stop signal (p.His31Thrfs*100) in the C1QTNF5 gene. While this is not anticipated to result in nonsense mediated decay, it is expected to disrupt the last 213 amino acid(s) of the C1QTNF5 protein. This variant is not present in population databases (gnomAD no frequency). This variant has not been reported in the literature in individuals affected with C1QTNF5-related conditions. Experimental studies and prediction algorithms are not available or were not evaluated, and the functional significance of this variant is currently unknown. In summary, the available evidence is currently insufficient to determine the role of this variant in disease. Therefore, it has been classified as a Variant of Uncertain Significance.